The following is an entry in ClinVar:

NM_013432.5(TONSL):c.1164+7C>T

Gene: TONSL (tonsoku like, DNA repair protein; minus strand). Cytogenetic location: 8q24.3.
Variant type: single nucleotide variant.
Coding change: c.1164+7C>T on transcript NM_013432.5 (MANE Select); 7 bases into the intron after coding-DNA position 1164, C replaced by T.
Molecular consequence: intron variant.
Genome position (GRCh38, 1-based): chr8:144,440,711, G>A on the plus strand (C>T on the coding strand, the complement: TONSL is on the minus strand). VCF-style: chr8-144440711-G-A. GRCh37 (hg19) VCF-style: chr8-145666094-G-A.
Other names: c.1164+7C>T (NM_013432.4).
Identifiers: ClinVar variation 1128480 (VCV001128480.9), dbSNP rs377413480, ClinGen allele CA4943369.

ClinVar aggregate classification (germline): Likely benign. Review status: criteria provided, single submitter (1 of 4 stars). 2 submissions from 2 submitters: Likely benign (1). 1 of the submissions does not count toward it. Last evaluated 2026-01-25.

Conditions:
TONSL-related disorder. Also called: TONSL-related condition.

Allele frequency attached by ClinVar (database versions not stated): ExAC 0.00012; gnomAD exomes 0.00013 and 0.00026; TOPMed 0.00014; gnomAD 0.00015 and 0.00016; ESP Exome Variant Server 0.00023.
gnomAD v4.1: 398 of 1,610,910 alleles (0.025%); highest among the groups gnomAD compares: Non-Finnish European, 0.032%; 1 homozygote.

Submissions (2):

Labcorp Genetics (formerly Invitae), Labcorp
Classification: Likely benign. Last evaluated: 2026-01-25. Review status: criteria provided, single submitter. Criteria: Invitae Variant Classification Sherloc (09022015). Collection method: clinical testing. Allele origin: germline.

PreventionGenetics, part of Exact Sciences
Classification: Likely benign for TONSL-related condition. Last evaluated: 2023-05-02. Review status: no assertion criteria provided. Collection method: clinical testing. Allele origin: germline. Not counted in ClinVar's aggregate classification.
Comment: This variant is classified as likely benign based on ACMG/AMP sequence variant interpretation guidelines (Richards et al. 2015 PMID: 25741868, with internal and published modifications).